The following is an entry in ClinVar:

NM_133497.4(KCNV2):c.612G>A (p.Glu204=)

Gene: KCNV2 (potassium voltage-gated channel modifier subfamily V member 2; plus strand). Cytogenetic location: 9p24.2.
Variant type: single nucleotide variant.
Coding change: c.612G>A on transcript NM_133497.4 (MANE Select); coding-DNA position 612, G replaced by A.
Protein change: p.Glu204=; no amino-acid change (glutamic acid 204 retained).
Molecular consequence: synonymous variant.
Genome position (GRCh38, 1-based): chr9:2,718,351, G>A. VCF-style: chr9-2718351-G-A. GRCh37 (hg19) VCF-style: chr9-2718351-G-A.
Identifiers: ClinVar variation 167209 (VCV000167209.21), dbSNP rs186159326, ClinGen allele CA180136.

ClinVar aggregate classification (germline): Benign/Likely benign. Review status: criteria provided, multiple submitters, no conflicts (2 of 4 stars). 5 submissions from 5 submitters: Benign (2); Likely benign (3). Last evaluated 2026-01-18.

Conditions:
Cone dystrophy with supernormal rod response (CDSRR). Also called: CONE DYSTROPHY WITH SUPERNORMAL ROD RESPONSES. Identifiers: Orphanet 209932, MedGen C1835897, MONDO:0012475, OMIM 610356.

Allele frequency attached by ClinVar (database versions not stated): ESP Exome Variant Server 0.00048; gnomAD 0.00123 and 0.00151; TOPMed 0.00207; gnomAD exomes 0.00366; ExAC 0.00408; 1000 Genomes Project 30x 0.00547; 1000 Genomes Project 0.00679.
gnomAD v4.1: 1,760 of 1,600,278 alleles (0.11%); highest among the groups gnomAD compares: East Asian, 2.6%; 19 homozygotes.

Submissions (5):

Labcorp Genetics (formerly Invitae), Labcorp
Classification: Benign. Last evaluated: 2026-01-18. Review status: criteria provided, single submitter. Criteria: Invitae Variant Classification Sherloc (09022015). Collection method: clinical testing. Allele origin: germline.

Blueprint Genetics
Classification: Likely benign. Last evaluated: 2024-11-27. Review status: criteria provided, single submitter. Criteria: ACMG Guidelines, 2015. Collection method: clinical testing. Allele origin: germline.

Illumina Laboratory Services, Illumina
Classification: Likely benign for Cone dystrophy with supernormal rod response. Last evaluated: 2017-04-27. Review status: criteria provided, single submitter. Criteria: ICSL Variant Classification Criteria 13 December 2019. Collection method: clinical testing. Allele origin: germline.
Comment: This variant was observed as part of a predisposition screen in an ostensibly healthy population. A literature search was performed for the gene, cDNA change, and amino acid change (where applicable). Publications were found based on this search. The evidence from the literature, in combination with allele frequency data from public databases where available, was sufficient to determine this variant is unlikely to cause disease. Therefore, this variant is classified as likely benign.

Eurofins Ntd Llc (ga)
Classification: Benign. Last evaluated: 2014-01-30. Review status: criteria provided, single submitter. Criteria: EGL Classification Definitions 2015. Collection method: clinical testing. Allele origin: germline. Observed: 1 variant allele, 1 heterozygote.

Breakthrough Genomics
Classification: Likely benign. Review status: criteria provided, single submitter. Criteria: ACMG Guidelines, 2015. Collection method: not provided. Allele origin: germline. Inheritance: Autosomal recessive inheritance. Affected: yes.

Literature cited by the submitters: PubMed 18235024 (cited by Illumina Laboratory Services, Illumina).